The following is an entry in ClinVar:

NM_000287.4(PEX6):c.1699del (p.Leu567fs)

Gene: PEX6 (peroxisomal biogenesis factor 6; minus strand). Cytogenetic location: 6p21.1.
Variant type: Deletion.
Coding change: c.1699del on transcript NM_000287.4 (MANE Select); coding-DNA position 1699, one base deleted (C; older notation c.1699delC).
Protein change: p.Leu567fs; shifts the reading frame from leucine 567.
Molecular consequence: frameshift variant. On other transcripts: non-coding transcript variant (1).
Genome position (GRCh38, 1-based): chr6:42,967,553, G deleted on the plus strand (C on the coding strand, the reverse complement: PEX6 is on the minus strand); the first of 4 consecutive G bases (chr6:42,967,553-42,967,556); deleting any one gives the same sequence. VCF-style (leftmost placement, unchanged base first): chr6-42967552-AG-A. GRCh37 (hg19) VCF-style: chr6-42935290-AG-A.
Other names: c.1435del, p.Leu479fs (NM_001316313.2); short protein forms L479fs, L567fs.
Identifiers: ClinVar variation 5013190 (VCV005013190.1).
Genomic context (GRCh38, chr6:42,967,552, plus strand): 5'-AATGCTGTCTGCACATCAGCAGGCAGGTCCTGGGCCCGGCTTGTGGTGGCCACAACCATG[AG>A]GGGAGGGCAGCTGCAGACAGAGGAGTGGGCACTGAGGGTGAGAACATGGCTGGCAGCTCC-3'

ClinVar aggregate classification (germline): Pathogenic (1 of 4 stars; one submission).

Conditions:
Peroxisome biogenesis disorder. Identifiers: Orphanet 79189, MedGen C1832200, MONDO:0019234. Disease mechanism: loss of function.

Submission:

Myriad Genetics, Inc.
Classification: Pathogenic for Peroxisome biogenesis disorder. Last evaluated: 2024-06-17. Review status: criteria provided, single submitter. Criteria: Myriad Autosomal Dominant, Autosomal Recessive and X-Linked Classification Criteria (2023). Collection method: clinical testing. Allele origin: unknown.
Comment: NM_000287.3(PEX6):c.1699delC(L567Sfs*52) is expected to be pathogenic in the context of peroxisome biogenesis disorder type 4. This variant is predicted to lead to an abnormal or absent protein product due to the creation of a premature termination codon in PEX6, a gene where loss-of-function variants are known to be pathogenic. Please note: this variant was assessed in the context of healthy population screening.